The following is an entry in ClinVar:

NM_000487.6(ARSA):c.902G>T (p.Arg301Leu)

Gene: ARSA (arylsulfatase A; minus strand). Cytogenetic location: 22q13.33.
Variant type: single nucleotide variant.
Coding change: c.902G>T on transcript NM_000487.6 (MANE Select); coding-DNA position 902, G replaced by T.
Protein change: p.Arg301Leu; replaces arginine 301 with leucine.
Molecular consequence: missense variant.
Genome position (GRCh38, 1-based): chr22:50,626,231, C>A on the plus strand (G>T on the coding strand, the complement: ARSA is on the minus strand). VCF-style: chr22-50626231-C-A. GRCh37 (hg19) VCF-style: chr22-51064659-C-A.
Other names: c.902G>T, p.Arg301Leu (NM_001085425.3, NM_001085426.3, NM_001085427.3); c.644G>T, p.Arg215Leu (NM_001085428.3, NM_001362782.2); short protein forms R215L, R301L.
Identifiers: ClinVar variation 4850649 (VCV004850649.1).

ClinVar aggregate classification (germline): Likely pathogenic (1 of 4 stars; one submission).

Conditions:
Metachromatic leukodystrophy (MLD). Also called: ARSA DEFICIENCY; CEREBROSIDE SULFATASE DEFICIENCY; METACHROMATIC LEUKOENCEPHALOPATHY; SULFATIDE LIPIDOSIS; Cerebral sclerosis diffuse metachromatic form; Arylsulfatase A Deficiency. Identifiers: Orphanet 512, MedGen C0023522, MONDO:0018868, OMIM 250100.

gnomAD v4.1: 1 of 1,613,548 alleles (0.000062%); highest among the groups gnomAD compares: Non-Finnish European, 0.000085%; no homozygotes.

Submission:

First Genomix Gene Laboratory, Genetic Diagnostics Department
Classification: Likely pathogenic for Metachromatic leukodystrophy. Last evaluated: 2025-07-31. Review status: criteria provided, single submitter. Criteria: ACMG Guidelines, 2015. Collection method: clinical testing. Allele origin: germline. Inheritance: Autosomal recessive inheritance. Affected: no. Observed: 1 variant allele.